The following is an entry in ClinVar:

NM_033380.3(COL4A5):c.4069G>A (p.Gly1357Arg)

Gene: COL4A5 (collagen type IV alpha 5 chain; plus strand). Cytogenetic location: Xq22.3.
Variant type: single nucleotide variant.
Coding change: c.4069G>A on transcript NM_033380.3 (MANE Select); coding-DNA position 4069, G replaced by A.
Protein change: p.Gly1357Arg; replaces glycine 1357 with arginine.
Molecular consequence: missense variant.
Genome position (GRCh38, 1-based): chrX:108,680,938, G>A. VCF-style: chrX-108680938-G-A. GRCh37 (hg19) VCF-style: chrX-107924168-G-A.
Other names: c.4051G>A, p.Gly1351Arg (NM_000495.5); short protein forms G1351R, G1357R.
Identifiers: ClinVar variation 2773229 (VCV002773229.4), dbSNP rs2524613412, ClinGen allele CA413851200.

ClinVar aggregate classification (germline): Conflicting classifications of pathogenicity. Review status: criteria provided, conflicting classifications (1 of 4 stars). 2 submissions from 2 submitters: Likely pathogenic (1); Uncertain significance (1). Last evaluated 2026-07-30.

Conditions:
X-linked Alport syndrome (ATS1). Also called: COL4A5-Related Nephropathy; NEPHROPATHY AND DEAFNESS, X-LINKED. Identifiers: Orphanet 63, Orphanet 88917, MedGen C4746986, MONDO:0010520, OMIM 301050.

Submissions (2):

Myriad Genetics, Inc.
Classification: Uncertain significance for X-linked Alport syndrome. Last evaluated: 2026-07-30. Review status: criteria provided, single submitter. Criteria: Myriad Autosomal Dominant, Autosomal Recessive and X-Linked Classification Criteria (2023). Collection method: clinical testing. Allele origin: unknown.
Comment: NM_000495.4(COL4A5):c.4051G>A(G1351R) is a missense variant classified as a variant of uncertain significance in the context of X-linked Alport syndrome. G1351R has not been observed in cases with relevant disease. Relevant functional assessments of this variant are not available in the literature. Internal structural analysis of the variant is supportive of pathogenicity. G1351R has not been observed in referenced population frequency databases. In summary, there is insufficient evidence to classify NM_000495.4(COL4A5):c.4051G>A(G1351R) as pathogenic or benign. Please note: this variant was assessed in the context of healthy population screening.

Labcorp Genetics (formerly Invitae), Labcorp
Classification: Likely pathogenic. Last evaluated: 2023-11-01. Review status: criteria provided, single submitter. Criteria: Invitae Variant Classification Sherloc (09022015). Collection method: clinical testing. Allele origin: germline.
Comment: This sequence change replaces glycine, which is neutral and non-polar, with arginine, which is basic and polar, at codon 1351 of the COL4A5 protein (p.Gly1351Arg). This variant is not present in population databases (gnomAD no frequency). This variant has not been reported in the literature in individuals affected with COL4A5-related conditions. Advanced modeling of protein sequence and biophysical properties (such as structural, functional, and spatial information, amino acid conservation, physicochemical variation, residue mobility, and thermodynamic stability) performed at Invitae indicates that this missense variant is expected to disrupt COL4A5 protein function with a positive predictive value of 95%. This variant disrupts the triple helix domain of COL4A5. Glycine residues within the Gly-Xaa-Yaa repeats of the triple helix domain are required for the structure and stability of fibrillar collagens (PMID: 7695699, 8218237, 19344236). In COL4A5, missense variants at these glycine residues are significantly enriched in individuals with disease (PMID: 23720012, 27627812) compared to the general population (ExAC). In summary, the currently available evidence indicates that the variant is pathogenic, but additional data are needed to prove that conclusively. Therefore, this variant has been classified as Likely Pathogenic.

Literature cited by the submitters: PubMed 7695699 (cited by Labcorp Genetics (formerly Invitae), Labcorp); PubMed 8218237 (cited by Labcorp Genetics (formerly Invitae), Labcorp); PubMed 19344236 (cited by Labcorp Genetics (formerly Invitae), Labcorp); PubMed 23720012 (cited by Labcorp Genetics (formerly Invitae), Labcorp); PubMed 27627812 (cited by Labcorp Genetics (formerly Invitae), Labcorp).